The following is an entry in ClinVar:

NM_017763.6(RNF43):c.873C>A (p.Leu291=)

Gene: RNF43 (ring finger protein 43; minus strand). Cytogenetic location: 17q22.
Variant type: single nucleotide variant.
Coding change: c.873C>A on transcript NM_017763.6 (MANE Select); coding-DNA position 873, C replaced by A.
Protein change: p.Leu291=; no amino-acid change (leucine 291 retained).
Molecular consequence: synonymous variant.
Genome position (GRCh38, 1-based): chr17:58,360,228, G>T on the plus strand (C>A on the coding strand, the complement: RNF43 is on the minus strand). VCF-style: chr17-58360228-G-T. GRCh37 (hg19) VCF-style: chr17-56437589-G-T.
Other names: c.873C>A, p.Leu291= (NM_001305544.3); c.492C>A, p.Leu164= (NM_001305545.2); c.873C>A (NM_017763.4).
Identifiers: ClinVar variation 1104402 (VCV001104402.19), dbSNP rs148147597, ClinGen allele CA8673271.
Genomic context (GRCh38, chr17:58,360,228, plus strand): 5'-GAGGGGGCAAGTCCGATGCTGATGTAACCAGGGGTCCACACAGTTACGATGGAACTCATG[G>T]AGGCAGGAAATGACCCGTAGCTCCTGGAGAAAAAGAGGGGGTCCAAACCAAAGGCTTCTG-3'
Protein context (NP_060233.3, residues 281-301): EGQELRVISC[Leu291=]HEFHRNCVDP

ClinVar aggregate classification (germline): Benign/Likely benign. Review status: criteria provided, multiple submitters, no conflicts (2 of 4 stars). 5 submissions from 5 submitters: Benign (1); Likely benign (3). 1 of the submissions does not count toward it. Last evaluated 2026-07-01.

Conditions:
RNF43-related disorder. Also called: RNF43-related condition.
Sessile serrated polyposis cancer syndrome (SSPCS). Identifiers: Orphanet 157798, MedGen C4310714, MONDO:0014919, OMIM 617108.

Allele frequency attached by ClinVar (database versions not stated): ExAC 0.00008; gnomAD 0.00009; TOPMed 0.00010; gnomAD exomes 0.00007; ESP Exome Variant Server 0.00015.
gnomAD v4.1: 245 of 1,614,024 alleles (0.015%); highest among the groups gnomAD compares: Non-Finnish European, 0.019%; no homozygotes.

Submissions (5):

Myriad Genetics, Inc.
Classification: Benign for Sessile serrated polyposis cancer syndrome. Last evaluated: 2026-07-01. Review status: criteria provided, single submitter. Criteria: Myriad Autosomal Dominant, Autosomal Recessive and X-Linked Classification Criteria (2023). Collection method: clinical testing. Allele origin: unknown.
Comment: This variant is considered benign. This variant is a silent/synonymous amino acid change and it is not expected to impact splicing.

Labcorp Genetics (formerly Invitae), Labcorp
Classification: Likely benign. Last evaluated: 2025-10-13. Review status: criteria provided, single submitter. Criteria: Invitae Variant Classification Sherloc (09022015). Collection method: clinical testing. Allele origin: germline.

Center for Genomic Medicine, Rigshospitalet, Copenhagen University Hospital
Classification: Likely benign. Last evaluated: 2025-03-04. Review status: criteria provided, single submitter. Criteria: ACMG Guidelines, 2015. Collection method: clinical testing. Allele origin: germline.

Ambry Genetics
Classification: Likely benign. Last evaluated: 2024-11-17. Review status: criteria provided, single submitter. Criteria: Ambry Variant Classification Scheme 2023. Collection method: clinical testing. Allele origin: germline.

PreventionGenetics, part of Exact Sciences
Classification: Likely benign for RNF43-related condition. Last evaluated: 2019-05-24. Review status: no assertion criteria provided. Collection method: clinical testing. Allele origin: germline. Not counted in ClinVar's aggregate classification.
Comment: This variant is classified as likely benign based on ACMG/AMP sequence variant interpretation guidelines (Richards et al. 2015 PMID: 25741868, with internal and published modifications).